The following is an entry in ClinVar:

ClinVar aggregate classification (germline): Uncertain significance (1 of 4 stars; one submission).

Submission:

GeneDx
Classification: Uncertain significance. Last evaluated: 2024-09-01. Review status: criteria provided, single submitter. Criteria: GeneDx Variant Classification Process June 2021. Collection method: clinical testing. Allele origin: germline. Affected: yes.
Comment: Not observed at significant frequency in large population cohorts (gnomAD); In silico analysis supports that this missense variant has a deleterious effect on protein structure/function; Has not been previously published as pathogenic or benign to our knowledge

NM_025074.7(FRAS1):c.358C>T (p.His120Tyr)

Gene: FRAS1 (Fraser extracellular matrix complex subunit 1; plus strand). Cytogenetic location: 4q21.21.
Variant type: single nucleotide variant.
Coding change: c.358C>T on transcript NM_025074.7 (MANE Select); coding-DNA position 358, C replaced by T.
Protein change: p.His120Tyr; replaces histidine 120 with tyrosine.
Molecular consequence: missense variant.
Genome position (GRCh38, 1-based): chr4:78,252,440, C>T. VCF-style: chr4-78252440-C-T. GRCh37 (hg19) VCF-style: chr4-79173594-C-T.
Other names: c.358C>T, p.His120Tyr (NM_001166133.2); short protein forms H120Y.
Identifiers: ClinVar variation 3766015 (VCV003766015.1).
Genomic context (GRCh38, chr4:78,252,440, plus strand): 5'-CCTAACACACAGCATGGGACAGAATGGGCCTCTTCTCCATGTAGTGTGTGCTCTTGCAAT[C>T]ATGGGGAAGTCCGATGTACCCCCCAACCATGCCCACCGCTGTCATGTGGACACCAGGAGC-3'
Protein context (NP_079350.5, residues 110-130): SSPCSVCSCN[His120Tyr]GEVRCTPQPC